The following is an entry in ClinVar:

NM_005157.6(ABL1):c.3203T>C (p.Val1068Ala)

Gene: ABL1 (ABL proto-oncogene 1, non-receptor tyrosine kinase; plus strand). Cytogenetic location: 9q34.12.
Variant type: single nucleotide variant.
Coding change: c.3203T>C on transcript NM_005157.6 (MANE Select); coding-DNA position 3203, T replaced by C.
Protein change: p.Val1068Ala; replaces valine 1068 with alanine.
Molecular consequence: missense variant.
Genome position (GRCh38, 1-based): chr9:130,885,493, T>C. VCF-style: chr9-130885493-T-C. GRCh37 (hg19) VCF-style: chr9-133760880-T-C.
Other names: c.3260T>C, p.Val1087Ala (NM_007313.3); short protein forms V1087A, V1068A.
Identifiers: ClinVar variation 931707 (VCV000931707.3), dbSNP rs768811183, ClinGen allele CA5285888.

ClinVar aggregate classification (germline): Uncertain significance (1 of 4 stars; one submission).

Conditions:
Congenital heart defects and skeletal malformations syndrome. Identifiers: Orphanet 643503, MedGen C4539857, MONDO:0060532, OMIM 617602.

Allele frequency attached by ClinVar (database versions not stated): gnomAD exomes below 0.00001 and 0.00001; ExAC 0.00001; gnomAD 0.00001; TOPMed 0.00001.
gnomAD v4.1: 6 of 1,613,992 alleles (0.00037%); highest among the groups gnomAD compares: Non-Finnish European, 0.00051%; no homozygotes.

Submission:

Centre for Mendelian Genomics, University Medical Centre Ljubljana
Classification: Uncertain significance for Congenital heart defects and skeletal malformations syndrome. Last evaluated: 2019-09-05. Review status: criteria provided, single submitter. Criteria: ACMG Guidelines, 2015. Collection method: clinical testing. Allele origin: unknown. Affected: yes.
Comment: This variant was classified as: Uncertain significance. The available evidence on this variant's pathogenicity is insufficient or conflicting. The following ACMG criteria were applied in classifying this variant: BP4.